The following is an entry in ClinVar:

NM_031844.3(HNRNPU):c.632dup (p.Gly212fs)

Gene: HNRNPU (heterogeneous nuclear ribonucleoprotein U; minus strand). Cytogenetic location: 1q44.
Variant type: Duplication.
Coding change: c.632dup on transcript NM_031844.3 (MANE Select); coding-DNA position 632, one base duplicated (G; older notation c.632dupG).
Protein change: p.Gly212fs; shifts the reading frame from glycine 212.
Molecular consequence: frameshift variant.
Genome position (GRCh38, 1-based): chr1:244,863,676, C duplicated on the plus strand (G on the coding strand, the reverse complement: HNRNPU is on the minus strand); the first of 3 consecutive C bases (chr1:244,863,676-244,863,678); duplicating any one gives the same sequence. VCF-style (leftmost placement, unchanged base first): chr1-244863675-T-TC. GRCh37 (hg19) VCF-style: chr1-245026977-T-TC.
Other names: c.632dup, p.Gly212fs (NM_004501.3); short protein forms G212fs.
Identifiers: ClinVar variation 3367162 (VCV003367162.2).

ClinVar aggregate classification (germline): Pathogenic (1 of 4 stars; one submission).

Conditions:
Developmental and epileptic encephalopathy, 54. Also called: Epileptic encephalopathy, early infantile, 54; HNRNPU-Related Neurodevelopmental Disorder. Identifiers: MedGen C4479319, MONDO:0033363, OMIM 617391.

Submission:

Molecular Genetics Laboratory, Motol Hospital
Classification: Pathogenic for Developmental and epileptic encephalopathy, 54. Last evaluated: 2024-10-24. Review status: criteria provided, single submitter. Criteria: ACMG Guidelines, 2015. Collection method: clinical testing. Allele origin: de novo. Affected: yes. Observed: 1 variant allele.
Comment: The variant was confirmed to be of a de novo origin. De novo truncating variations (nonsense, frameshift) leading to haploinsufficiency were well documented as causative in the pathogenesis of HNRNPU-related neurodevelopmental disorder (OMIM:617391). To conclude, the variant is classified as pathogenic (ACMG PVS1, PM2).

Literature cited by the submitters: PubMed 35138025; PubMed 32319732.